The following is an entry in ClinVar:

ClinVar aggregate classification (germline): Uncertain significance. Review status: criteria provided, multiple submitters, no conflicts (2 of 4 stars). 2 submissions from 2 submitters: Uncertain significance (2). Last evaluated 2022-09-13.

Submissions (2):

Labcorp Genetics (formerly Invitae), Labcorp
Classification: Uncertain significance. Last evaluated: 2022-09-13. Review status: criteria provided, single submitter. Criteria: Invitae Variant Classification Sherloc (09022015). Collection method: clinical testing. Allele origin: germline.
Comment: This sequence change replaces glutamine, which is neutral and polar, with lysine, which is basic and polar, at codon 94 of the IMPG1 protein (p.Gln94Lys). This variant is not present in population databases (gnomAD no frequency). In summary, the available evidence is currently insufficient to determine the role of this variant in disease. Therefore, it has been classified as a Variant of Uncertain Significance. Algorithms developed to predict the effect of sequence changes on RNA splicing suggest that this variant may disrupt the consensus splice site. Algorithms developed to predict the effect of missense changes on protein structure and function are either unavailable or do not agree on the potential impact of this missense change (SIFT: "Deleterious"; PolyPhen-2: "Probably Damaging"; Align-GVGD: "Class C0"). ClinVar contains an entry for this variant (Variation ID: 1464306). This variant has not been reported in the literature in individuals affected with IMPG1-related conditions.

Blueprint Genetics
Classification: Uncertain significance. Last evaluated: 2022-06-17. Review status: criteria provided, single submitter. Criteria: ACMG Guidelines, 2015. Collection method: clinical testing. Allele origin: germline.

NM_001563.4(IMPG1):c.280C>A (p.Gln94Lys)

Gene: IMPG1 (interphotoreceptor matrix proteoglycan 1; minus strand). Cytogenetic location: 6q14.1.
Variant type: single nucleotide variant.
Coding change: c.280C>A on transcript NM_001563.4 (MANE Select); coding-DNA position 280, C replaced by A.
Protein change: p.Gln94Lys; replaces glutamine 94 with lysine.
Molecular consequence: missense variant. On other transcripts: intron variant (1).
Genome position (GRCh38, 1-based): chr6:76,041,914, G>T on the plus strand (C>A on the coding strand, the complement: IMPG1 is on the minus strand). VCF-style: chr6-76041914-G-T. GRCh37 (hg19) VCF-style: chr6-76751631-G-T.
Other names: c.68-7127C>A (NM_001282368.2); short protein forms Q94K.
Identifiers: ClinVar variation 1464306 (VCV001464306.9), dbSNP rs2127594519, ClinGen allele CA364829574.